The following is an entry in ClinVar:

NM_025074.7(FRAS1):c.2510T>C (p.Leu837Pro)

Gene: FRAS1 (Fraser extracellular matrix complex subunit 1; plus strand). Cytogenetic location: 4q21.21.
Variant type: single nucleotide variant.
Coding change: c.2510T>C on transcript NM_025074.7 (MANE Select); coding-DNA position 2510, T replaced by C.
Protein change: p.Leu837Pro; replaces leucine 837 with proline.
Molecular consequence: missense variant.
Genome position (GRCh38, 1-based): chr4:78,363,600, T>C. VCF-style: chr4-78363600-T-C. GRCh37 (hg19) VCF-style: chr4-79284754-T-C.
Other names: c.2510T>C (NM_025074.6); c.2510T>C, p.Leu837Pro (NM_001166133.2); short protein forms L837P.
Identifiers: ClinVar variation 1992487 (VCV001992487.5), dbSNP rs2476855393, ClinGen allele CA357371752.

ClinVar aggregate classification (germline): Uncertain significance. Review status: criteria provided, multiple submitters, no conflicts (2 of 4 stars). 2 submissions from 2 submitters: Uncertain significance (2). Last evaluated 2025-06-12.

Allele frequency attached by ClinVar (database versions not stated): gnomAD exomes below 0.00001.
gnomAD v4.1: 1 of 1,609,780 alleles (0.000062%); highest among the groups gnomAD compares: Non-Finnish European, 0.000085%; no homozygotes.

Submissions (2):

Labcorp Genetics (formerly Invitae), Labcorp
Classification: Uncertain significance. Last evaluated: 2025-06-12. Review status: criteria provided, single submitter. Criteria: Invitae Variant Classification Sherloc (09022015). Collection method: clinical testing. Allele origin: germline.
Comment: This sequence change replaces leucine, which is neutral and non-polar, with proline, which is neutral and non-polar, at codon 837 of the FRAS1 protein (p.Leu837Pro). This variant is not present in population databases (gnomAD no frequency). This variant has not been reported in the literature in individuals affected with FRAS1-related conditions. ClinVar contains an entry for this variant (Variation ID: 1992487). An algorithm developed to predict the effect of missense changes on protein structure and function (PolyPhen-2) suggests that this variant is likely to be disruptive. In summary, the available evidence is currently insufficient to determine the role of this variant in disease. Therefore, it has been classified as a Variant of Uncertain Significance.

GeneDx
Classification: Uncertain significance. Last evaluated: 2023-12-08. Review status: criteria provided, single submitter. Criteria: GeneDx Variant Classification Process June 2021. Collection method: clinical testing. Allele origin: germline. Affected: yes.
Comment: Not observed at significant frequency in large population cohorts (gnomAD); In silico analysis supports that this missense variant has a deleterious effect on protein structure/function; Has not been previously published as pathogenic or benign to our knowledge